The following is an entry in ClinVar:

NM_014425.5(INVS):c.2618dup (p.Ser874fs)

Gene: INVS (inversin; plus strand). Cytogenetic location: 9q31.1.
Variant type: Duplication.
Coding change: c.2618dup on transcript NM_014425.5 (MANE Select); coding-DNA position 2618, one base duplicated (T; older notation c.2618dupT).
Protein change: p.Ser874fs; shifts the reading frame from serine 874.
Molecular consequence: frameshift variant. On other transcripts: non-coding transcript variant (1).
Genome position (GRCh38, 1-based): chr9:100,292,875, T duplicated. VCF-style (leftmost placement, unchanged base first): chr9-100292874-G-GT. GRCh37 (hg19) VCF-style: chr9-103055156-G-GT.
Other names: c.2330dup, p.Ser778fs (NM_001318381.2); c.1640dup, p.Ser548fs (NM_001318382.2); short protein forms S548fs, S778fs, S874fs.
Identifiers: ClinVar variation 2975333 (VCV002975333.3), dbSNP rs2490118043, ClinGen allele CA2740095550.
Genomic context (GRCh38, chr9:100,292,874, plus strand): 5'-GAGGAGTTGAGGTCAGGAGCTAGGAGGCTGGAGACATCTACCCTGTCCGAGGACTTTCAG[G>GT]TATCTAAGGAGACTGATCCAGCACCTGGTCCCCTCTCTGGGCAGAGTGTGAATATTGACC-3'

ClinVar aggregate classification (germline): Pathogenic (1 of 4 stars; one submission).

Conditions:
Nephronophthisis. Also called: Juvenile Nephronophthisis. Identifiers: Orphanet 655, MedGen C0687120, MONDO:0019005, HP:0000090.

Submission:

Labcorp Genetics (formerly Invitae), Labcorp
Classification: Pathogenic for Nephronophthisis. Last evaluated: 2023-11-20. Review status: criteria provided, single submitter. Criteria: Invitae Variant Classification Sherloc (09022015). Collection method: clinical testing. Allele origin: germline.
Comment: This sequence change creates a premature translational stop signal (p.Ser874Ilefs*2) in the INVS gene. It is expected to result in an absent or disrupted protein product. Loss-of-function variants in INVS are known to be pathogenic (PMID: 12872123). This variant is not present in population databases (gnomAD no frequency). This variant has not been reported in the literature in individuals affected with INVS-related conditions. For these reasons, this variant has been classified as Pathogenic.

Literature cited by the submitters: PubMed 12872123.